The following is an entry in ClinVar:

NM_024642.5(GALNT12):c.1428G>T (p.Leu476=)

Gene: GALNT12 (polypeptide N-acetylgalactosaminyltransferase 12; plus strand). Cytogenetic location: 9q22.33.
Variant type: single nucleotide variant.
Coding change: c.1428G>T on transcript NM_024642.5 (MANE Select); coding-DNA position 1428, G replaced by T.
Protein change: p.Leu476=; no amino-acid change (leucine 476 retained).
Molecular consequence: synonymous variant.
Genome position (GRCh38, 1-based): chr9:98,844,179, G>T. VCF-style: chr9-98844179-G-T. GRCh37 (hg19) VCF-style: chr9-101606461-G-T.
Identifiers: ClinVar variation 4876179 (VCV004876179.1).

ClinVar aggregate classification (germline): Benign (1 of 4 stars; one submission).

Conditions:
Colorectal cancer, susceptibility to, 1. Also called: COLORECTAL ADENOMA AND CANCER, SUSCEPTIBILITY TO; COLORECTAL CANCER, SUSCEPTIBILITY TO, ON CHROMOSOME 9. Identifiers: MedGen C1837315, MONDO:0012132, OMIM 608812.

gnomAD v4.1: 2 of 1,613,316 alleles (0.00012%); highest among the groups gnomAD compares: Admixed American, 0.0033%; no homozygotes.

Submission:

Myriad Genetics, Inc.
Classification: Benign for Colorectal cancer, susceptibility to, 1. Last evaluated: 2026-04-27. Review status: criteria provided, single submitter. Criteria: Myriad Autosomal Dominant, Autosomal Recessive and X-Linked Classification Criteria (2023). Collection method: clinical testing. Allele origin: unknown.
Comment: This variant is considered benign. This variant is a silent/synonymous amino acid change and it is not expected to impact splicing.